The following is an entry in ClinVar:

NM_004655.4(AXIN2):c.928G>A (p.Asp310Asn)

Gene: AXIN2 (axin 2; minus strand). Cytogenetic location: 17q24.1.
Variant type: single nucleotide variant.
Coding change: c.928G>A on transcript NM_004655.4 (MANE Select); coding-DNA position 928, G replaced by A.
Protein change: p.Asp310Asn; replaces aspartic acid 310 with asparagine.
Molecular consequence: missense variant.
Genome position (GRCh38, 1-based): chr17:65,549,548, C>T on the plus strand (G>A on the coding strand, the complement: AXIN2 is on the minus strand). VCF-style: chr17-65549548-C-T. GRCh37 (hg19) VCF-style: chr17-63545666-C-T.
Other names: c.928G>A, p.Asp310Asn (NM_001363813.1); short protein forms D310N.
Identifiers: ClinVar variation 5032539 (VCV005032539.1).

ClinVar aggregate classification (germline): Uncertain significance (1 of 4 stars; one submission).

Conditions:
Hereditary cancer-predisposing syndrome. Also called: Neoplastic Syndromes, Hereditary; Tumor predisposition; Hereditary neoplastic syndrome; Hereditary Cancer Syndrome. Identifiers: Orphanet 140162, MedGen C0027672, MeSH D009386, MONDO:0015356.

Submission:

Ambry Genetics
Classification: Uncertain significance for Hereditary cancer-predisposing syndrome. Last evaluated: 2026-07-06. Review status: criteria provided, single submitter. Criteria: Ambry Variant Classification Scheme 2023. Collection method: clinical testing. Allele origin: germline.
Comment: The p.D310N variant (also known as c.928G>A), located in coding exon 2 of the AXIN2 gene, results from a G to A substitution at nucleotide position 928. The aspartic acid at codon 310 is replaced by asparagine, an amino acid with highly similar properties. This amino acid position is conserved. In addition, the in silico prediction for this alteration is inconclusive. Based on the available evidence, the clinical significance of this variant remains unclear.